The following is an entry in ClinVar:

NM_001042475.3(CEP85L):c.1680A>G (p.Gln560=)

Gene: CEP85L (centrosomal protein 85L; minus strand). Cytogenetic location: 6q22.31.
Variant type: single nucleotide variant.
Coding change: c.1680A>G on transcript NM_001042475.3 (MANE Select); coding-DNA position 1680, A replaced by G.
Protein change: p.Gln560=; no amino-acid change (glutamine 560 retained).
Molecular consequence: synonymous variant.
Genome position (GRCh38, 1-based): chr6:118,481,844, T>C on the plus strand (A>G on the coding strand, the complement: CEP85L is on the minus strand). VCF-style: chr6-118481844-T-C. GRCh37 (hg19) VCF-style: chr6-118803007-T-C.
Other names: c.1689A>G, p.Gln563= (NM_001178035.2).
Identifiers: ClinVar variation 3026134 (VCV003026134.22), dbSNP rs548222922, ClinGen allele CA3977756.

ClinVar aggregate classification (germline): Likely benign (1 of 4 stars; one submission).

Allele frequency attached by ClinVar (database versions not stated): ExAC 0.00001; gnomAD 0.00001; 1000 Genomes Project 0.00020; 1000 Genomes Project 30x 0.00031; TOPMed below 0.00001.
gnomAD v4.1: 11 of 1,597,566 alleles (0.00069%); highest among the groups gnomAD compares: South Asian, 0.011%; no homozygotes.

Submission:

CeGaT Center for Human Genetics Tuebingen
Classification: Likely benign. Last evaluated: 2024-01-01. Review status: criteria provided, single submitter. Criteria: CeGaT Center For Human Genetics Tuebingen Variant Classification Criteria Version 2. Collection method: clinical testing. Allele origin: germline. Affected: yes. Observed: 1 variant allele.
Comment: CEP85L: BP4, BP7